The following is an entry in ClinVar:

NM_001035.3(RYR2):c.13693A>G (p.Ser4565Gly)

Gene: RYR2 (ryanodine receptor 2; plus strand). Cytogenetic location: 1q43.
Variant type: single nucleotide variant.
Coding change: c.13693A>G on transcript NM_001035.3 (MANE Select); coding-DNA position 13693, A replaced by G.
Protein change: p.Ser4565Gly; replaces serine 4565 with glycine.
Molecular consequence: missense variant.
Genome position (GRCh38, 1-based): chr1:237,792,234, A>G. VCF-style: chr1-237792234-A-G. GRCh37 (hg19) VCF-style: chr1-237955534-A-G.
Other names: short protein forms S4565G.
Identifiers: ClinVar variation 1516383 (VCV001516383.9), dbSNP rs2149381504, ClinGen allele CA345417535.

ClinVar aggregate classification (germline): Uncertain significance (1 of 4 stars; one submission).

Conditions:
Catecholaminergic polymorphic ventricular tachycardia 1. Also called: RYR2-Related Catecholaminergic Polymorphic Ventricular Tachycardia; VENTRICULAR TACHYCARDIA, STRESS-INDUCED POLYMORPHIC 1; VENTRICULAR TACHYCARDIA, CATECHOLAMINERGIC POLYMORPHIC, 1, WITH OR WITHOUT ATRIAL DYSFUNCTION AND/OR DILATED CARDIOMYOPATHY. Identifiers: Orphanet 3286, MedGen C1631597, MONDO:0011484, OMIM 604772.

gnomAD v4.1: 2 of 1,613,900 alleles (0.00012%); highest among the groups gnomAD compares: African/African-American, 0.0013%; no homozygotes.

Submission:

Labcorp Genetics (formerly Invitae), Labcorp
Classification: Uncertain significance for Catecholaminergic polymorphic ventricular tachycardia 1. Last evaluated: 2022-02-03. Review status: criteria provided, single submitter. Criteria: Invitae Variant Classification Sherloc (09022015). Collection method: clinical testing. Allele origin: germline.
Comment: In summary, the available evidence is currently insufficient to determine the role of this variant in disease. Therefore, it has been classified as a Variant of Uncertain Significance. Advanced modeling of protein sequence and biophysical properties (such as structural, functional, and spatial information, amino acid conservation, physicochemical variation, residue mobility, and thermodynamic stability) performed at Invitae indicates that this missense variant is not expected to disrupt RYR2 protein function. This variant has not been reported in the literature in individuals affected with RYR2-related conditions. This variant is not present in population databases (gnomAD no frequency). This sequence change replaces serine, which is neutral and polar, with glycine, which is neutral and non-polar, at codon 4565 of the RYR2 protein (p.Ser4565Gly).